The following is an entry in ClinVar:

ClinVar aggregate classification (germline): Uncertain significance. Review status: criteria provided, multiple submitters, no conflicts (2 of 4 stars). 3 submissions from 3 submitters: Uncertain significance (3). Last evaluated 2025-10-29.

Conditions:
Inborn genetic diseases. Identifiers: MedGen C0950123, MeSH D030342.
Autosomal dominant limb-girdle muscular dystrophy type 1F (LGMDD2). Also called: MUSCULAR DYSTROPHY, LIMB-GIRDLE, AUTOSOMAL DOMINANT 2; Limb-girdle muscular dystrophy, type 1F. Identifiers: Orphanet 55595, MedGen C1842062, MONDO:0012034, OMIM 608423.

Allele frequency attached by ClinVar (database versions not stated): gnomAD exomes below 0.00001; gnomAD 0.00001; TOPMed 0.00001; ExAC 0.00002; ESP Exome Variant Server 0.00008.
gnomAD v4.1: 7 of 1,613,010 alleles (0.00043%); highest among the groups gnomAD compares: South Asian, 0.0022%; no homozygotes.

Submissions (3):

Labcorp Genetics (formerly Invitae), Labcorp
Classification: Uncertain significance for Autosomal dominant limb-girdle muscular dystrophy type 1F. Last evaluated: 2025-10-29. Review status: criteria provided, single submitter. Criteria: Invitae Variant Classification Sherloc (09022015). Collection method: clinical testing. Allele origin: germline.
Comment: This sequence change replaces glutamic acid, which is acidic and polar, with lysine, which is basic and polar, at codon 579 of the TNPO3 protein (p.Glu579Lys). This variant is present in population databases (rs373570876, gnomAD 0.002%). This variant has not been reported in the literature in individuals affected with TNPO3-related conditions. ClinVar contains an entry for this variant (Variation ID: 2690247). Invitae Evidence Modeling of protein sequence and biophysical properties (such as structural, functional, and spatial information, amino acid conservation, physicochemical variation, residue mobility, and thermodynamic stability) indicates that this missense variant is not expected to disrupt TNPO3 protein function with a negative predictive value of 80%. In summary, the available evidence is currently insufficient to determine the role of this variant in disease. Therefore, it has been classified as a Variant of Uncertain Significance.

Ambry Genetics
Classification: Uncertain significance for Inborn genetic diseases. Last evaluated: 2025-02-15. Review status: criteria provided, single submitter. Criteria: Ambry Variant Classification Scheme 2023. Collection method: clinical testing. Allele origin: germline.

Revvity Omics, Revvity
Classification: Uncertain significance for Autosomal dominant limb-girdle muscular dystrophy type 1F. Last evaluated: 2024-05-17. Review status: criteria provided, single submitter. Criteria: ACMG Guidelines, 2015. Collection method: clinical testing. Allele origin: germline.

NM_012470.4(TNPO3):c.1735G>A (p.Glu579Lys)

Gene: TNPO3 (transportin 3; minus strand). Cytogenetic location: 7q32.1.
Variant type: single nucleotide variant.
Coding change: c.1735G>A on transcript NM_012470.4 (MANE Select); coding-DNA position 1735, G replaced by A.
Protein change: p.Glu579Lys; replaces glutamic acid 579 with lysine.
Molecular consequence: missense variant. On other transcripts: non-coding transcript variant (18).
Genome position (GRCh38, 1-based): chr7:128,984,215, C>T on the plus strand (G>A on the coding strand, the complement: TNPO3 is on the minus strand). VCF-style: chr7-128984215-C-T. GRCh37 (hg19) VCF-style: chr7-128624269-C-T.
Other names: c.1543G>A, p.Glu515Lys (NM_001191028.3, NM_001382223.1); c.1837G>A, p.Glu613Lys (NM_001382216.1); c.1816G>A, p.Glu606Lys (NM_001382217.1); c.1735G>A, p.Glu579Lys (NM_001382218.1, NM_001382220.1); c.1627G>A, p.Glu543Lys (NM_001382219.1); c.1591G>A, p.Glu531Lys (NM_001382221.1); c.1588G>A, p.Glu530Lys (NM_001382222.1); short protein forms E515K, E530K, E531K, E543K, E579K, E606K, E613K.
Identifiers: ClinVar variation 2690247 (VCV002690247.4), dbSNP rs373570876, ClinGen allele CA4478073.